The following is an entry in ClinVar:

NM_001040108.2(MLH3):c.704T>G (p.Leu235Arg)

Gene: MLH3 (mutL homolog 3; minus strand). Cytogenetic location: 14q24.3.
Variant type: single nucleotide variant.
Coding change: c.704T>G on transcript NM_001040108.2 (MANE Select); coding-DNA position 704, T replaced by G.
Protein change: p.Leu235Arg; replaces leucine 235 with arginine.
Molecular consequence: missense variant.
Genome position (GRCh38, 1-based): chr14:75,048,952, A>C on the plus strand (T>G on the coding strand, the complement: MLH3 is on the minus strand). VCF-style: chr14-75048952-A-C. GRCh37 (hg19) VCF-style: chr14-75515655-A-C.
Other names: c.704T>G, p.Leu235Arg (NM_014381.3); short protein forms L235R.
Identifiers: ClinVar variation 4882992 (VCV004882992.2).

ClinVar aggregate classification (germline): Uncertain significance (1 of 4 stars; one submission).

gnomAD v4.1: 2 of 1,613,032 alleles (0.00012%); highest among the groups gnomAD compares: Non-Finnish European, 0.000085%; no homozygotes.

Submission:

Dasa
Classification: Uncertain significance. Last evaluated: 2025-07-14. Review status: criteria provided, single submitter. Criteria: DASA Assertion Criteria. Collection method: clinical testing. Allele origin: germline.
Comment: NM_001040108.2(MLH3):c.704T>G (p.Leu235Arg) is a missense variant that results in the substitution of leucine with arginine. This variant is rare in population databases. Computational prediction algorithms are consistent with a deleterious effect. The currently available literature and clinical evidence are not sufficient to establish a definitive association between this variant and the reported condition. Therefore, this variant is classified as a variant of uncertain significance.